The following is an entry in ClinVar:

ClinVar aggregate classification (germline): Pathogenic (1 of 4 stars; one submission).

Conditions:
Glycine encephalopathy 1 (GCE1). Identifiers: MedGen CN376801, MONDO:0958179, OMIM 605899.

Submission:

Myriad Genetics, Inc.
Classification: Pathogenic for Glycine encephalopathy 1. Last evaluated: 2025-11-28. Review status: criteria provided, single submitter. Criteria: Myriad Autosomal Dominant, Autosomal Recessive and X-Linked Classification Criteria (2023). Collection method: clinical testing. Allele origin: unknown.
Comment: NM_000170.2(GLDC):c.1054dupA(T352Nfs*58) is expected to be pathogenic in the context of glycine encephalopathy, GLDC-related. This variant is predicted to lead to an abnormal or absent protein product due to the creation of a premature termination codon in GLDC, a gene where loss-of-function variants are known to be pathogenic. Please note: this variant was assessed in the context of healthy population screening.

NM_000170.3(GLDC):c.1054dup (p.Thr352fs)

Gene: GLDC (glycine decarboxylase; minus strand). Cytogenetic location: 9p24.1.
Variant type: Duplication.
Coding change: c.1054dup on transcript NM_000170.3 (MANE Select); coding-DNA position 1054, one base duplicated (A; older notation c.1054dupA).
Protein change: p.Thr352fs; shifts the reading frame from threonine 352.
Molecular consequence: frameshift variant.
Genome position (GRCh38, 1-based): chr9:6,604,592, T duplicated on the plus strand (A on the coding strand, the reverse complement: GLDC is on the minus strand); the first of 2 consecutive T bases (chr9:6,604,592-6,604,593); duplicating either gives the same sequence. VCF-style (leftmost placement, unchanged base first): chr9-6604591-G-GT. GRCh37 (hg19) VCF-style: chr9-6604591-G-GT.
Other names: short protein forms T352fs.
Identifiers: ClinVar variation 5015278 (VCV005015278.1).
Genomic context (GRCh38, chr9:6,604,591, plus strand): 5'-GAAGAAATCAGGGAAATCATAATCACAATAAAAGTAGAGAAACATGAGCCCCTTTACCTT[G>GT]TTACCCCCACCATTCTTCCAGGCATCATTCTCACCAAGCTTTCTCGGACAGCAAAAAATG-3'